The following is an entry in ClinVar:

NM_004360.5(CDH1):c.2421T>A (p.Ile807=)

Gene: CDH1 (cadherin 1; plus strand). Cytogenetic location: 16q22.1.
Variant type: single nucleotide variant.
Coding change: c.2421T>A on transcript NM_004360.5 (MANE Select); coding-DNA position 2421, T replaced by A.
Protein change: p.Ile807=; no amino-acid change (isoleucine 807 retained).
Molecular consequence: synonymous variant.
Genome position (GRCh38, 1-based): chr16:68,829,779, T>A. VCF-style: chr16-68829779-T-A. GRCh37 (hg19) VCF-style: chr16-68863682-T-A.
Other names: c.2238T>A, p.Ile746= (NM_001317184.2); c.873T>A, p.Ile291= (NM_001317185.2); c.456T>A, p.Ile152= (NM_001317186.2).
Identifiers: ClinVar variation 3378911 (VCV003378911.1).

ClinVar aggregate classification (germline): Benign (1 of 4 stars; one submission).

Conditions:
Hereditary diffuse gastric adenocarcinoma (HDGC). Also called: DIFFUSE GASTRIC AND LOBULAR BREAST CANCER SYNDROME. Identifiers: Orphanet 26106, MedGen C1708349, MONDO:0007648, OMIM 137215.

Submission:

Myriad Genetics, Inc.
Classification: Benign for Hereditary diffuse gastric adenocarcinoma. Last evaluated: 2024-09-23. Review status: criteria provided, single submitter. Criteria: Myriad Autosomal Dominant, Autosomal Recessive and X-Linked Classification Criteria (2023). Collection method: clinical testing. Allele origin: unknown.
Comment: This variant is considered benign. This variant is a silent/synonymous amino acid change and it is not expected to impact splicing.